The following is an entry in ClinVar:

NM_057175.5(NAA15):c.1183G>C (p.Glu395Gln)

Gene: NAA15 (N-alpha-acetyltransferase 15, NatA auxiliary subunit; plus strand). Cytogenetic location: 4q31.1.
Variant type: single nucleotide variant.
Coding change: c.1183G>C on transcript NM_057175.5 (MANE Select); coding-DNA position 1183, G replaced by C.
Protein change: p.Glu395Gln; replaces glutamic acid 395 with glutamine.
Molecular consequence: missense variant.
Genome position (GRCh38, 1-based): chr4:139,357,481, G>C. VCF-style: chr4-139357481-G-C. GRCh37 (hg19) VCF-style: chr4-140278635-G-C.
Other names: c.1183G>C, p.Glu395Gln (NM_001410842.1, NM_025085.2); short protein forms E395Q.
Identifiers: ClinVar variation 2305452 (VCV002305452.2), dbSNP rs2530411263, ClinGen allele CA358266043.
Genomic context (GRCh38, chr4:139,357,481, plus strand): 5'-TGGGTCCAGTACTACTTGGCACAACATTATGACAAAATTGGTCAGCCATCTATTGCTTTG[G>C]AGTACATAAATACTGCTATTGAAAGTACACCTACATTAATAGAACTCTTTCTCGTGAAAG-3'
Protein context (NP_476516.1, residues 385-405): DKIGQPSIAL[Glu395Gln]YINTAIESTP

ClinVar aggregate classification (germline): Uncertain significance (1 of 4 stars; one submission).

Conditions:
Inborn genetic diseases. Identifiers: MedGen C0950123, MeSH D030342.

Submission:

Ambry Genetics
Classification: Uncertain significance for Inborn genetic diseases. Last evaluated: 2022-09-07. Review status: criteria provided, single submitter. Criteria: Ambry Variant Classification Scheme 2023. Collection method: clinical testing. Allele origin: germline.
Comment: The c.1183G>C (p.E395Q) alteration is located in exon 11 (coding exon 11) of the NAA15 gene. This alteration results from a G to C substitution at nucleotide position 1183, causing the glutamic acid (E) at amino acid position 395 to be replaced by a glutamine (Q). This variant was not reported in population-based cohorts in the Genome Aggregation Database (gnomAD). This amino acid position is not well conserved in available vertebrate species. This alteration is predicted to be tolerated by in silico analysis. Based on insufficient or conflicting evidence, the clinical significance of this alteration remains unclear.